The following is an entry in ClinVar:

NC_000001.10:g.(?_27092692)_(27094510_?)del

Gene: ARID1A (AT-rich interaction domain 1A; plus strand). Cytogenetic location: 1p36.11.
Variant type: Deletion.
Identifiers: ClinVar variation 2425459 (VCV002425459.4).

ClinVar aggregate classification (germline): Pathogenic (1 of 4 stars; one submission).

Submission:

Labcorp Genetics (formerly Invitae), Labcorp
Classification: Pathogenic. Last evaluated: 2023-12-11. Review status: criteria provided, single submitter. Criteria: Invitae Variant Classification Sherloc (09022015). Collection method: clinical testing. Allele origin: germline.
Comment: This variant is a gross deletion of the genomic region encompassing exon(s) 9-11 of the ARID1A gene. This deletion is out-of-frame, and is expected to create a premature termination codon and result in an absent or disrupted protein product. Loss-of-function variants in ARID1A are known to be pathogenic (PMID: 22426308, 23929685). This variant has not been reported in the literature in individuals affected with ARID1A-related conditions. For these reasons, this variant has been classified as Pathogenic.

Literature cited by the submitters: PubMed 22426308; PubMed 23929685.